The following is an entry in ClinVar:

ClinVar aggregate classification (germline): Benign/Likely benign. Review status: criteria provided, multiple submitters, no conflicts (2 of 4 stars). 5 submissions from 5 submitters: Benign (1); Likely benign (4). Last evaluated 2026-02-01.

Conditions:
Congenital muscular dystrophy due to integrin alpha-7 deficiency. Also called: MYOPATHY, CONGENITAL, DUE TO INTEGRIN ALPHA-7 DEFICIENCY; Congenital muscular dystrophy with integrin alpha-7 deficiency; Muscular dystrophy, congenital, due to ITGA7 deficiency. Identifiers: Orphanet 34520, MedGen C2750786, MONDO:0013177, OMIM 613204.

Allele frequency attached by ClinVar (database versions not stated): ESP Exome Variant Server 0.00054; gnomAD 0.00075 and 0.00090; TOPMed 0.00087; 1000 Genomes Project 30x 0.00219; 1000 Genomes Project 0.00220.
gnomAD v4.1: 1,954 of 1,614,134 alleles (0.12%); highest among the groups gnomAD compares: Middle Eastern, 0.83%; 5 homozygotes.

Submissions (5):

Labcorp Genetics (formerly Invitae), Labcorp
Classification: Benign for Congenital muscular dystrophy due to integrin alpha-7 deficiency. Last evaluated: 2026-02-01. Review status: criteria provided, single submitter. Criteria: Invitae Variant Classification Sherloc (09022015). Collection method: clinical testing. Allele origin: germline.

CeGaT Center for Human Genetics Tuebingen
Classification: Likely benign. Last evaluated: 2025-04-01. Review status: criteria provided, single submitter. Criteria: CeGaT Center For Human Genetics Tuebingen Variant Classification Criteria Version 2. Collection method: clinical testing. Allele origin: germline. Affected: yes. Observed: 7 variant alleles.
Comment: ITGA7: BP4, BP7

Blueprint Genetics
Classification: Likely benign. Last evaluated: 2024-11-07. Review status: criteria provided, single submitter. Criteria: ACMG Guidelines, 2015. Collection method: clinical testing. Allele origin: germline.

GeneDx
Classification: Likely benign. Last evaluated: 2018-01-23. Review status: criteria provided, single submitter. Criteria: GeneDx Variant Classification (06012015). Collection method: clinical testing. Allele origin: germline. Affected: yes.
Comment: This variant is considered likely benign or benign based on one or more of the following criteria: it is a conservative change, it occurs at a poorly conserved position in the protein, it is predicted to be benign by multiple in silico algorithms, and/or has population frequency not consistent with disease.

Eurofins Ntd Llc (ga)
Classification: Likely benign. Last evaluated: 2017-10-17. Review status: criteria provided, single submitter. Criteria: EGL Classification Definitions 2015. Collection method: clinical testing. Allele origin: germline. Observed: 2 variant alleles, 1 heterozygote, 1 homozygote.

NM_002206.3(ITGA7):c.1659C>G (p.Pro553=)

Gene: ITGA7 (integrin subunit alpha 7; minus strand). Cytogenetic location: 12q13.2.
Variant type: single nucleotide variant.
Coding change: c.1659C>G on transcript NM_002206.3 (MANE Select); coding-DNA position 1659, C replaced by G.
Protein change: p.Pro553=; no amino-acid change (proline 553 retained).
Molecular consequence: synonymous variant.
Genome position (GRCh38, 1-based): chr12:55,696,977, G>C on the plus strand (C>G on the coding strand, the complement: ITGA7 is on the minus strand). VCF-style: chr12-55696977-G-C. GRCh37 (hg19) VCF-style: chr12-56090761-G-C.
Other names: c.1671C>G, p.Pro557= (NM_001144996.2); c.1380C>G, p.Pro460= (NM_001144997.2); c.1332C>G, p.Pro444= (NM_001367993.1); c.315C>G, p.Pro105= (NM_001367994.1); c.1641C>G, p.Pro547= (NM_001374465.1); c.1791C>G, p.Pro597= (NM_001410977.1); c.1653C>G, p.Pro551= (NM_001414029.1); c.1584C>G, p.Pro528= (NM_001414030.1); and 5 more.
Identifiers: ClinVar variation 94033 (VCV000094033.42), dbSNP rs144052152, ClinGen allele CA221919.